The following is an entry in ClinVar:

ClinVar aggregate classification (germline): Uncertain significance. Review status: criteria provided, multiple submitters, no conflicts (2 of 4 stars). 2 submissions from 2 submitters: Uncertain significance (2). Last evaluated 2026-01-13.

Conditions:
Hereditary cancer-predisposing syndrome. Also called: Tumor predisposition; Hereditary Cancer Syndrome; Neoplastic Syndromes, Hereditary; Hereditary neoplastic syndrome. Identifiers: Orphanet 140162, MedGen C0027672, MeSH D009386, MONDO:0015356.

Allele frequency attached by ClinVar (database versions not stated): TOPMed below 0.00001.

Submissions (2):

Ambry Genetics
Classification: Uncertain significance for Hereditary cancer-predisposing syndrome. Last evaluated: 2026-01-13. Review status: criteria provided, single submitter. Criteria: Ambry Variant Classification Scheme 2023. Collection method: clinical testing. Allele origin: germline.
Comment: The p.D316G variant (also known as c.947A>G), located in coding exon 10 of the POLE gene, results from an A to G substitution at nucleotide position 947. The aspartic acid at codon 316 is replaced by glycine, an amino acid with similar properties. This amino acid position is well conserved in available vertebrate species. In addition, the in silico prediction for this alteration is inconclusive. Based on the available evidence, the clinical significance of this variant remains unclear.

Labcorp Genetics (formerly Invitae), Labcorp
Classification: Uncertain significance. Last evaluated: 2025-04-09. Review status: criteria provided, single submitter. Criteria: Invitae Variant Classification Sherloc (09022015). Collection method: clinical testing. Allele origin: germline.
Comment: This sequence change replaces aspartic acid, which is acidic and polar, with glycine, which is neutral and non-polar, at codon 316 of the POLE protein (p.Asp316Gly). This variant is not present in population databases (gnomAD no frequency). This variant has not been reported in the literature in individuals affected with POLE-related conditions. ClinVar contains an entry for this variant (Variation ID: 484594). Invitae Evidence Modeling of protein sequence and biophysical properties (such as structural, functional, and spatial information, amino acid conservation, physicochemical variation, residue mobility, and thermodynamic stability) indicates that this missense variant is expected to disrupt POLE protein function with a positive predictive value of 80%. RNA analysis performed to evaluate the impact of this missense change on mRNA splicing indicates it does not significantly alter splicing (internal data). In summary, the available evidence is currently insufficient to determine the role of this variant in disease. Therefore, it has been classified as a Variant of Uncertain Significance.

NM_006231.4(POLE):c.947A>G (p.Asp316Gly)

Gene: POLE (DNA polymerase epsilon, catalytic subunit; minus strand). Cytogenetic location: 12q24.33.
Variant type: single nucleotide variant.
Coding change: c.947A>G on transcript NM_006231.4 (MANE Select); coding-DNA position 947, A replaced by G.
Protein change: p.Asp316Gly; replaces aspartic acid 316 with glycine.
Molecular consequence: missense variant.
Genome position (GRCh38, 1-based): chr12:132,676,167, T>C on the plus strand (A>G on the coding strand, the complement: POLE is on the minus strand). VCF-style: chr12-132676167-T-C. GRCh37 (hg19) VCF-style: chr12-133252753-T-C.
Other names: short protein forms D316G.
Identifiers: ClinVar variation 484594 (VCV000484594.17), dbSNP rs1555229304, ClinGen allele CA387363822.
Genomic context (GRCh38, chr12:132,676,167, plus strand): 5'-TTGAAGACACAAAAGGGGCCTTCATATTCTGGCTTGGGGGTGAACTCAAAATCTTCAATA[T>C]CTTCTGAAACAATCTCCCTGTTGGTGATGAGGTAGCCCTAGCCAAGTTCATTAGCAATCA-3'
Protein context (NP_006222.2, residues 306-326): LITNREIVSE[Asp316Gly]IEDFEFTPKP